The following is an entry in ClinVar:

ClinVar aggregate classification (germline): Uncertain significance (1 of 4 stars; one submission).

Conditions:
Cardiovascular phenotype. Identifiers: MedGen CN230736.

Submission:

Ambry Genetics
Classification: Uncertain significance for Cardiovascular phenotype. Last evaluated: 2021-06-22. Review status: criteria provided, single submitter. Criteria: Ambry Variant Classification Scheme 2023. Collection method: clinical testing. Allele origin: germline.
Comment: The p.S123R variant (also known as c.369T>A), located in coding exon 3 of the TPM1 gene, results from a T to A substitution at nucleotide position 369. The serine at codon 123 is replaced by arginine, an amino acid with dissimilar properties. This amino acid position is conserved. In addition, this alteration is predicted to be deleterious by in silico analysis. Since supporting evidence is limited at this time, the clinical significance of this alteration remains unclear.

NM_001018005.2(TPM1):c.369T>A (p.Ser123Arg)

Gene: TPM1 (tropomyosin 1; plus strand). Cytogenetic location: 15q22.2.
Variant type: single nucleotide variant.
Coding change: c.369T>A on transcript NM_001018005.2 (MANE Select); coding-DNA position 369, T replaced by A.
Protein change: p.Ser123Arg; replaces serine 123 with arginine.
Molecular consequence: missense variant.
Genome position (GRCh38, 1-based): chr15:63,057,113, T>A. VCF-style: chr15-63057113-T-A. GRCh37 (hg19) VCF-style: chr15-63349312-T-A.
Other names: c.369T>A, p.Ser123Arg (NM_000366.6, NM_001018004.2, NM_001018006.2 and 20 more transcripts); c.261T>A, p.Ser87Arg (NM_001018008.2, NM_001301289.2, NM_001330344.2 and 9 more transcripts); c.495T>A, p.Ser165Arg (NM_001365778.1, NM_001407322.1, NM_001407323.1 and 1 more transcripts); short protein forms S123R, S165R, S87R.
Identifiers: ClinVar variation 1734048 (VCV001734048.2), dbSNP rs2542722911, ClinGen allele CA392721395.
Genomic context (GRCh38, chr15:63,057,113, plus strand): 5'-GGAGCGTCTGGCAACAGCTTTGCAGAAGCTGGAGGAAGCTGAGAAGGCAGCAGATGAGAG[T>A]GAGAGGTGAGAATGCCTCATCAGCCATCTTTTGCAGCTGCCTTTCCTGGTGGAATAAACC-3'
Protein context (NP_001018005.1, residues 113-133): LEEAEKAADE[Ser123Arg]ERGMKVIESR